The following is an entry in ClinVar:

NM_001082971.2(DDC):c.531C>T (p.Ala177=)

Gene: DDC (dopa decarboxylase; minus strand). Cytogenetic location: 7p12.1.
Variant type: single nucleotide variant.
Coding change: c.531C>T on transcript NM_001082971.2 (MANE Select); coding-DNA position 531, C replaced by T.
Protein change: p.Ala177=; no amino-acid change (alanine 177 retained).
Molecular consequence: synonymous variant. On other transcripts: intron variant (1).
Genome position (GRCh38, 1-based): chr7:50,529,247, G>A on the plus strand (C>T on the coding strand, the complement: DDC is on the minus strand). VCF-style: chr7-50529247-G-A. GRCh37 (hg19) VCF-style: chr7-50596945-G-A.
Other names: c.531C>T, p.Ala177= (NM_000790.4, NM_001242887.2, NM_001242890.2); c.417C>T, p.Ala139= (NM_001242886.2); c.297C>T, p.Ala99= (NM_001242888.2); c.435+8613C>T (NM_001242889.2).
Identifiers: ClinVar variation 739292 (VCV000739292.30), dbSNP rs548757623, ClinGen allele CA4262343.
Genomic context (GRCh38, chr7:50,529,247, plus strand): 5'-ATACCCCCACAACACACTCACCTGATCGGATGAGTAAGCCACCAGCTTCTCCATGATAGC[G>A]GCCTGTGTGAGCTCTGGGGACGCTGCCTGCAGCCGATGGATCACTTTGGTCCGAGCGGCC-3'
Protein context (NP_001076440.2, residues 167-187): LQAASPELTQ[Ala177=]AIMEKLVAYS

ClinVar aggregate classification (germline): Likely benign. Review status: criteria provided, multiple submitters, no conflicts (2 of 4 stars). 2 submissions from 2 submitters: Likely benign (2). Last evaluated 2026-01-15.

Conditions:
Deficiency of aromatic-L-amino-acid decarboxylase. Also called: DDC DEFICIENCY; DOPA DECARBOXYLASE DEFICIENCY; AADC DEFICIENCY; Aromatic L-Amino Acid Decarboxylase Deficiency; Aromatic amino acid decarboxylase deficiency. Identifiers: Orphanet 35708, MedGen C1291564, MONDO:0012084, OMIM 608643.

Allele frequency attached by ClinVar (database versions not stated): gnomAD 0.00001 and 0.00002; gnomAD exomes 0.00001 and 0.00006; TOPMed 0.00002; ExAC 0.00005; 1000 Genomes Project 30x 0.00031; 1000 Genomes Project 0.00040.
gnomAD v4.1: 18 of 1,613,854 alleles (0.0011%); highest among the groups gnomAD compares: East Asian, 0.031%; no homozygotes.

Submissions (2):

Labcorp Genetics (formerly Invitae), Labcorp
Classification: Likely benign for Deficiency of aromatic-L-amino-acid decarboxylase. Last evaluated: 2026-01-15. Review status: criteria provided, single submitter. Criteria: Invitae Variant Classification Sherloc (09022015). Collection method: clinical testing. Allele origin: germline.

CeGaT Center for Human Genetics Tuebingen
Classification: Likely benign. Last evaluated: 2022-10-01. Review status: criteria provided, single submitter. Criteria: CeGaT Center For Human Genetics Tuebingen Variant Classification Criteria Version 2. Collection method: clinical testing. Allele origin: germline. Affected: yes. Observed: 1 variant allele.
Comment: DDC: BP4, BP7